The following is an entry in ClinVar:

NM_017875.4(SLC25A38):c.-303A>C

Gene: SLC25A38 (solute carrier family 25 member 38; plus strand). Cytogenetic location: 3p22.1.
Variant type: single nucleotide variant.
Coding change: c.-303A>C on transcript NM_017875.4 (MANE Select); 303 bases upstream of the start codon, A replaced by C.
Molecular consequence: 5 prime UTR variant.
Genome position (GRCh38, 1-based): chr3:39,383,422, A>C. VCF-style: chr3-39383422-A-C. GRCh37 (hg19) VCF-style: chr3-39424913-A-C.
Other names: c.-303A>C (LRG_1133t1, NM_001354798.2).
Identifiers: ClinVar variation 345134 (VCV000345134.9), dbSNP rs114422738, ClinGen allele CA10615820.

ClinVar aggregate classification (germline): Benign/Likely benign. Review status: criteria provided, multiple submitters, no conflicts (2 of 4 stars). 3 submissions from 3 submitters: Benign (1); Likely benign (2). Last evaluated 2018-06-28.

Conditions:
Sideroblastic anemia 2. Also called: Anemia, sideroblastic, 2, pyridoxine-refractory. Identifiers: Orphanet 260305, MedGen C4225425, MONDO:0008785, OMIM 205950.

Allele frequency attached by ClinVar (database versions not stated): gnomAD exomes 0.00154; 1000 Genomes Project 30x 0.01093; 1000 Genomes Project 0.01178; gnomAD 0.01335; TOPMed 0.01467.
gnomAD v4.1: 2,366 of 423,062 alleles (0.56%); highest among the groups gnomAD compares: African/African-American, 4.4%; 51 homozygotes.

Submissions (3):

GeneDx
Classification: Likely benign. Last evaluated: 2018-06-28. Review status: criteria provided, single submitter. Criteria: GeneDx Variant Classification Process June 2021. Collection method: clinical testing. Allele origin: germline. Affected: yes.

Illumina Laboratory Services, Illumina
Classification: Benign for Sideroblastic anemia 2. Last evaluated: 2018-01-13. Review status: criteria provided, single submitter. Criteria: ICSL Variant Classification Criteria 13 December 2019. Collection method: clinical testing. Allele origin: germline.
Comment: This variant was observed in the ICSL laboratory as part of a predisposition screen in an ostensibly healthy population. It had not been previously curated by ICSL or reported in the Human Gene Mutation Database (HGMD: prior to June 1st, 2018), and was therefore a candidate for classification through an automated scoring system. Utilizing variant allele frequency, disease prevalence and penetrance estimates, and inheritance mode, an automated score was calculated to assess if this variant is too frequent to cause the disease. Based on the score and internal cut-off values, a variant classified as benign is not then subjected to further curation. The score for this variant resulted in a classification of benign for this disease.

Breakthrough Genomics
Classification: Likely benign. Review status: criteria provided, single submitter. Criteria: ACMG Guidelines, 2015. Collection method: not provided. Allele origin: germline. Inheritance: Autosomal recessive inheritance. Affected: yes.